The following is an entry in ClinVar:

ClinVar aggregate classification (germline): Uncertain significance (1 of 4 stars; one submission).

Allele frequency attached by ClinVar (database versions not stated): gnomAD exomes below 0.00001.

Submission:

GeneDx
Classification: Uncertain significance. Last evaluated: 2023-05-17. Review status: criteria provided, single submitter. Criteria: GeneDx Variant Classification Process June 2021. Collection method: clinical testing. Allele origin: germline. Affected: yes.
Comment: Not observed at significant frequency in large population cohorts (gnomAD); In silico analysis supports that this missense variant does not alter protein structure/function; Has not been previously published as pathogenic or benign to our knowledge

NM_032756.4(HPDL):c.231C>A (p.Ser77Arg)

Gene: HPDL (4-hydroxyphenylpyruvate dioxygenase like; plus strand). Cytogenetic location: 1p34.1.
Variant type: single nucleotide variant.
Coding change: c.231C>A on transcript NM_032756.4 (MANE Select); coding-DNA position 231, C replaced by A.
Protein change: p.Ser77Arg; replaces serine 77 with arginine.
Molecular consequence: missense variant.
Genome position (GRCh38, 1-based): chr1:45,327,379, C>A. VCF-style: chr1-45327379-C-A. GRCh37 (hg19) VCF-style: chr1-45793051-C-A.
Other names: short protein forms S77R.
Identifiers: ClinVar variation 2662287 (VCV002662287.1), dbSNP rs2523679269, ClinGen allele CA340128152.